The following is an entry in ClinVar:

ClinVar aggregate classification (germline): Conflicting classifications of pathogenicity. Review status: criteria provided, conflicting classifications (1 of 4 stars). 7 submissions from 7 submitters: Uncertain significance (6); Benign (1). Last evaluated 2025-11-17.

Conditions:
Hereditary nonpolyposis colorectal neoplasms. Identifiers: MedGen C0009405, MeSH D003123.
Lynch syndrome 5 (LYNCH5). Also called: Colorectal cancer, hereditary nonpolyposis, type 5; Hereditary non-polyposis colorectal cancer, type 5. Identifiers: Orphanet 144, MedGen C1833477, MONDO:0013710, OMIM 614350. Disease mechanism: loss of function.
Endometrial carcinoma. Also called: Endometrial carcinoma, somatic. Identifiers: MedGen C0476089, MONDO:0002447, OMIM 608089, HP:0012114.
Mismatch repair cancer syndrome 3. Identifiers: MedGen C5436807, MONDO:0030841, OMIM 619097.
Hereditary cancer-predisposing syndrome. Also called: Hereditary neoplastic syndrome; Tumor predisposition; Hereditary Cancer Syndrome; Neoplastic Syndromes, Hereditary. Identifiers: Orphanet 140162, MedGen C0027672, MeSH D009386, MONDO:0015356.

Allele frequency attached by ClinVar (database versions not stated): gnomAD exomes below 0.00001.
gnomAD v4.1: 3 of 1,613,910 alleles (0.00019%); highest among the groups gnomAD compares: African/African-American, 0.004%; no homozygotes.

Submissions (7):

Women's Health and Genetics/Laboratory Corporation of America, LabCorp
Classification: Uncertain significance. Last evaluated: 2025-11-17. Review status: criteria provided, single submitter. Criteria: LabCorp Variant Classification Summary - May 2015. Collection method: clinical testing. Allele origin: germline.
Comment: Variant summary: MSH6 c.3843G>T (p.Glu1281Asp) results in a conservative amino acid change in the encoded protein sequence. Algorithms developed to predict the effect of missense changes on protein structure and function are either unavailable or do not agree on the potential impact of this missense change. The variant allele was found at a frequency of 4e-06 in 250888 control chromosomes. The available data on variant occurrences in the general population are insufficient to allow any conclusion about variant significance. To our knowledge, no occurrence of c.3843G>T in individuals affected with MSH6-related conditions and no experimental evidence demonstrating its impact on protein function have been reported. ClinVar contains an entry for this variant (Variation ID: 220107). Based on the evidence outlined above, the variant was classified as uncertain significance.

Labcorp Genetics (formerly Invitae), Labcorp
Classification: Benign for Hereditary nonpolyposis colorectal neoplasms. Last evaluated: 2025-03-19. Review status: criteria provided, single submitter. Criteria: Invitae Variant Classification Sherloc (09022015). Collection method: clinical testing. Allele origin: germline.

Ambry Genetics
Classification: Uncertain significance for Hereditary cancer-predisposing syndrome. Last evaluated: 2024-12-25. Review status: criteria provided, single submitter. Criteria: Ambry Variant Classification Scheme 2023. Collection method: clinical testing. Allele origin: germline.
Comment: The p.E1281D variant (also known as c.3843G>T), located in coding exon 9 of the MSH6 gene, results from a G to T substitution at nucleotide position 3843. The glutamic acid at codon 1281 is replaced by aspartic acid, an amino acid with highly similar properties. This amino acid position is highly conserved in available vertebrate species. In addition, this alteration is predicted to be deleterious by in silico analysis. Since supporting evidence is limited at this time, the clinical significance of this alteration remains unclear.

Fulgent Genetics
Classification: Uncertain significance for Endometrial carcinoma; Lynch syndrome 5; Mismatch repair cancer syndrome 3. Last evaluated: 2024-06-10. Review status: criteria provided, single submitter. Criteria: ACMG Guidelines, 2015. Collection method: clinical testing. Allele origin: germline.

Color Diagnostics, LLC DBA Color Health
Classification: Uncertain significance for Hereditary cancer-predisposing syndrome. Last evaluated: 2023-12-05. Review status: criteria provided, single submitter. Criteria: ACMG Guidelines, 2015. Collection method: clinical testing. Allele origin: germline.
Comment: This missense variant replaces glutamic acid with aspartic acid at codon 1281 of the MSH6 protein. Computational prediction is inconclusive regarding the impact of this variant on protein structure and function (internally defined REVEL score threshold 0.5 < inconclusive < 0.7, PMID: 27666373). To our knowledge, functional studies have not been reported for this variant. This variant has not been reported in individuals affected with MSH6-related disorders in the literature. This variant has been identified in 1/250888 chromosomes in the general population by the Genome Aggregation Database (gnomAD). The available evidence is insufficient to determine the role of this variant in disease conclusively. Therefore, this variant is classified as a Variant of Uncertain Significance.

GeneDx
Classification: Uncertain significance. Last evaluated: 2023-07-11. Review status: criteria provided, single submitter. Criteria: GeneDx Variant Classification Process June 2021. Collection method: clinical testing. Allele origin: germline. Affected: yes.
Comment: Not observed at significant frequency in large population cohorts (gnomAD); In silico analysis supports that this missense variant has a deleterious effect on protein structure/function; Has not been previously published as pathogenic or benign to our knowledge; This variant is associated with the following publications: (PMID: 17531815, 21120944)

Baylor Genetics
Classification: Uncertain significance for Endometrial carcinoma. Last evaluated: 2023-06-16. Review status: criteria provided, single submitter. Criteria: ACMG Guidelines, 2015. Collection method: clinical testing. Allele origin: unknown.

NM_000179.3(MSH6):c.3843G>T (p.Glu1281Asp)

Gene: MSH6 (mutS homolog 6; plus strand). Cytogenetic location: 2p16.3.
Variant type: single nucleotide variant.
Coding change: c.3843G>T on transcript NM_000179.3 (MANE Select); coding-DNA position 3843, G replaced by T.
Protein change: p.Glu1281Asp; replaces glutamic acid 1281 with aspartic acid.
Molecular consequence: missense variant.
Genome position (GRCh38, 1-based): chr2:47,806,493, G>T. VCF-style: chr2-47806493-G-T. GRCh37 (hg19) VCF-style: chr2-48033632-G-T.
Other names: c.3453G>T, p.Glu1151Asp (NM_001281492.2); c.2937G>T, p.Glu979Asp (NM_001281493.2, NM_001281494.2); short protein forms E1281D, E979D, E1151D.
Identifiers: ClinVar variation 220107 (VCV000220107.22), dbSNP rs864622384, ClinGen allele CA349179.